The following is an entry in ClinVar:

ClinVar aggregate classification (germline): Likely benign. Review status: criteria provided, multiple submitters, no conflicts (2 of 4 stars). 2 submissions from 2 submitters: Likely benign (2). Last evaluated 2025-10-16.

Conditions:
Inborn genetic diseases. Identifiers: MedGen C0950123, MeSH D030342.

Allele frequency attached by ClinVar (database versions not stated): gnomAD exomes below 0.00001.
gnomAD v4.1: 1 of 1,613,764 alleles (0.000062%); highest among the groups gnomAD compares: Non-Finnish European, 0.000085%; no homozygotes.

Submissions (2):

Ambry Genetics
Classification: Likely benign for Inborn genetic diseases. Last evaluated: 2025-10-16. Review status: criteria provided, single submitter. Criteria: Ambry Variant Classification Scheme 2023. Collection method: clinical testing. Allele origin: germline.

CeGaT Center for Human Genetics Tuebingen
Classification: Likely benign. Last evaluated: 2023-05-01. Review status: criteria provided, single submitter. Criteria: CeGaT Center For Human Genetics Tuebingen Variant Classification Criteria Version 2. Collection method: clinical testing. Allele origin: germline. Affected: yes. Observed: 1 variant allele.
Comment: FANCM: PM2:Supporting, BP4, BP7

NM_020937.4(FANCM):c.4839T>A (p.Ser1613=)

Gene: FANCM (FA complementation group M; plus strand). Cytogenetic location: 14q21.2.
Variant type: single nucleotide variant.
Coding change: c.4839T>A on transcript NM_020937.4 (MANE Select); coding-DNA position 4839, T replaced by A.
Protein change: p.Ser1613=; no amino-acid change (serine 1613 retained).
Molecular consequence: synonymous variant.
Genome position (GRCh38, 1-based): chr14:45,188,861, T>A. VCF-style: chr14-45188861-T-A. GRCh37 (hg19) VCF-style: chr14-45658064-T-A.
Other names: c.4761T>A, p.Ser1587= (NM_001308133.2).
Identifiers: ClinVar variation 2644212 (VCV002644212.24), dbSNP rs2503242915, ClinGen allele CA486347578.